The following is an entry in ClinVar:

NM_024675.4(PALB2):c.193C>T (p.Pro65Ser)

Gene: PALB2 (partner and localizer of BRCA2; minus strand). Cytogenetic location: 16p12.2.
Variant type: single nucleotide variant.
Coding change: c.193C>T on transcript NM_024675.4 (MANE Select); coding-DNA position 193, C replaced by T.
Protein change: p.Pro65Ser; replaces proline 65 with serine.
Molecular consequence: missense variant.
Genome position (GRCh38, 1-based): chr16:23,637,868, G>A on the plus strand (C>T on the coding strand, the complement: PALB2 is on the minus strand). VCF-style: chr16-23637868-G-A. GRCh37 (hg19) VCF-style: chr16-23649189-G-A.
Other names: c.133C>T, p.Pro45Ser (NM_001407296.1); c.193C>T, p.Pro65Ser (NM_001407297.1, NM_001407298.1, NM_001407299.1 and 3 more transcripts); c.-693C>T (NM_001407304.1, NM_001407305.1, NM_001407306.1 and 5 more transcripts); short protein forms P65S, P45S.
Identifiers: ClinVar variation 1783034 (VCV001783034.7), dbSNP rs1229828972, ClinGen allele CA395139039.

ClinVar aggregate classification (germline): Uncertain significance. Review status: criteria provided, multiple submitters, no conflicts (2 of 4 stars). 2 submissions from 2 submitters: Uncertain significance (2). Last evaluated 2022-05-15.

Conditions:
Hereditary cancer-predisposing syndrome. Also called: Neoplastic Syndromes, Hereditary; Tumor predisposition; Hereditary Cancer Syndrome; Hereditary neoplastic syndrome. Identifiers: Orphanet 140162, MedGen C0027672, MeSH D009386, MONDO:0015356.
Familial cancer of breast. Also called: BREAST CANCER, FAMILIAL; Hereditary breast cancer; hereditary breast carcinoma. Identifiers: Orphanet 227535, MedGen C0346153, MONDO:0016419, OMIM 114480. Disease mechanism: loss of function.

Submissions (2):

Labcorp Genetics (formerly Invitae), Labcorp
Classification: Uncertain significance for Familial cancer of breast. Last evaluated: 2022-05-15. Review status: criteria provided, single submitter. Criteria: Invitae Variant Classification Sherloc (09022015). Collection method: clinical testing. Allele origin: germline.
Comment: Algorithms developed to predict the effect of missense changes on protein structure and function output the following: SIFT: "Tolerated"; PolyPhen-2: "Benign"; Align-GVGD: "Class C0". The serine amino acid residue is found in multiple mammalian species, which suggests that this missense change does not adversely affect protein function. In summary, the available evidence is currently insufficient to determine the role of this variant in disease. Therefore, it has been classified as a Variant of Uncertain Significance. This variant has not been reported in the literature in individuals affected with PALB2-related conditions. This variant is not present in population databases (gnomAD no frequency). This sequence change replaces proline, which is neutral and non-polar, with serine, which is neutral and polar, at codon 65 of the PALB2 protein (p.Pro65Ser).

Ambry Genetics
Classification: Uncertain significance for Hereditary cancer-predisposing syndrome. Last evaluated: 2020-02-14. Review status: criteria provided, single submitter. Criteria: Ambry Variant Classification Scheme 2023. Collection method: clinical testing. Allele origin: germline.
Comment: The p.P65S variant (also known as c.193C>T), located in coding exon 3 of the PALB2 gene, results from a C to T substitution at nucleotide position 193. The proline at codon 65 is replaced by serine, an amino acid with similar properties. This amino acid position is poorly conserved in available vertebrate species. In addition, this alteration is predicted to be tolerated by in silico analysis. Since supporting evidence is limited at this time, the clinical significance of this alteration remains unclear.